The following is an entry in ClinVar:

NM_000059.4(BRCA2):c.7834C>T (p.Pro2612Ser)

Gene: BRCA2 (BRCA2 DNA repair associated; plus strand). Cytogenetic location: 13q13.1.
Variant type: single nucleotide variant.
Coding change: c.7834C>T on transcript NM_000059.4 (MANE Select); coding-DNA position 7834, C replaced by T.
Protein change: p.Pro2612Ser; replaces proline 2612 with serine.
Molecular consequence: missense variant. On other transcripts: non-coding transcript variant (1).
Genome position (GRCh38, 1-based): chr13:32,362,551, C>T. VCF-style: chr13-32362551-C-T. GRCh37 (hg19) VCF-style: chr13-32936688-C-T.
Other names: c.7834C>T, p.Pro2612Ser (NM_001406720.1); c.2902C>T, p.Pro968Ser (NM_001406721.1); c.1417C>T, p.Pro473Ser (NM_001406722.1); c.7738C>T, p.Pro2580Ser (NM_001406719.1); short protein forms P2580S, P2612S, P473S, P968S.
Identifiers: ClinVar variation 2692250 (VCV002692250.2), dbSNP rs771981392, ClinGen allele CA6941161.

ClinVar aggregate classification (germline): Uncertain significance. Review status: criteria provided, single submitter (1 of 4 stars). 2 submissions from 2 submitters: Uncertain significance (1). 1 of the submissions does not count toward it. Last evaluated 2024-04-25.

Conditions:
BRCA2-related cancer predisposition. Identifiers: MedGen CN377758, MONDO:0700269.
Breast-ovarian cancer, familial, susceptibility to, 2 (BROVCA2). Also called: BRCA2 Hereditary Breast and Ovarian Cancer. Identifiers: Orphanet 145, MedGen C2675520, MONDO:0012933, OMIM 612555. Disease mechanism: loss of function.

Allele frequency attached by ClinVar (database versions not stated): ExAC 0.00001.
gnomAD v4.1: 1 of 1,613,926 alleles (0.000062%); highest among the groups gnomAD compares: Non-Finnish European, 0.000085%; no homozygotes.

Submissions (2):

All of Us Research Program, National Institutes of Health
Classification: Uncertain significance for BRCA2-related cancer predisposition. Last evaluated: 2024-04-25. Review status: criteria provided, single submitter. Criteria: ACMG Guidelines, 2015. Collection method: clinical testing. Allele origin: germline. Inheritance: Autosomal dominant inheritance. Observed: 1 variant allele, 1 heterozygote.
Comment: This missense variant replaces proline with serine at codon 2612 of the BRCA2 protein. Computational prediction suggests that this variant may have deleterious impact on protein structure and function. A functional study has reported that this variant does not impact BRCA2 function in a haploidized HEK293T cell growth assay (PMID: 35190686). This variant has not been reported as a germline mutation in individuals affected with BRCA2-related disorders in the literature. This variant has been identified in 1/251196 chromosomes in the general population by the Genome Aggregation Database (gnomAD). The available evidence is insufficient to determine the role of this variant in disease conclusively. Therefore, this variant is classified as a Variant of Uncertain Significance.

This study involves interpretation of variants in research participants for the purpose of population health screening. Participant phenotype was not available at the time of variant classification. Additional details can be found in publication PMID: 35346344, PMCID: PMC8962531

BRCAlab, Lund University
Classification: Uncertain significance for Breast-ovarian cancer, familial, susceptibility to, 2. Last evaluated: 2020-03-02. Review status: no assertion criteria provided. Collection method: clinical testing. Allele origin: germline. Affected: yes. Not counted in ClinVar's aggregate classification.

Literature cited by the submitters: PubMed 35190686 (cited by All of Us Research Program, National Institutes of Health).